The following is an entry in ClinVar:

NM_000260.4(MYO7A):c.639C>T (p.Phe213=)

Gene: MYO7A (myosin VIIA; plus strand). Cytogenetic location: 11q13.5.
Variant type: single nucleotide variant.
Coding change: c.639C>T on transcript NM_000260.4 (MANE Select); coding-DNA position 639, C replaced by T.
Protein change: p.Phe213=; no amino-acid change (phenylalanine 213 retained).
Molecular consequence: synonymous variant.
Genome position (GRCh38, 1-based): chr11:77,156,908, C>T. VCF-style: chr11-77156908-C-T. GRCh37 (hg19) VCF-style: chr11-76867954-C-T.
Other names: c.639C>T, p.Phe213= (NM_001127180.2); c.606C>T, p.Phe202= (NM_001369365.1).
Identifiers: ClinVar variation 517430 (VCV000517430.18), dbSNP rs540197003, ClinGen allele CA6197206.

ClinVar aggregate classification (germline): Benign/Likely benign. Review status: criteria provided, multiple submitters, no conflicts (2 of 4 stars). 5 submissions from 5 submitters: Benign (2); Likely benign (2). 1 of the submissions does not count toward it. Last evaluated 2026-01-25.

Conditions:
MYO7A-related disorder. Also called: MYO7A-related disorders.
Usher syndrome type 1B (USH1B). Also called: Usher syndrome type IB. Identifiers: MedGen C1848638, MONDO:0700087.

Allele frequency attached by ClinVar (database versions not stated): gnomAD 0.00011 and 0.00015; TOPMed 0.00018; ExAC 0.00040; gnomAD exomes 0.00044; 1000 Genomes Project 0.00080; 1000 Genomes Project 30x 0.00094.
gnomAD v4.1: 147 of 1,614,020 alleles (0.0091%); highest among the groups gnomAD compares: East Asian, 0.2%; no homozygotes.

Submissions (5):

Labcorp Genetics (formerly Invitae), Labcorp
Classification: Benign. Last evaluated: 2026-01-25. Review status: criteria provided, single submitter. Criteria: Invitae Variant Classification Sherloc (09022015). Collection method: clinical testing. Allele origin: germline.

PreventionGenetics, part of Exact Sciences
Classification: Likely benign for MYO7A-related condition. Last evaluated: 2025-11-07. Review status: criteria provided, single submitter. Criteria: ACMG Guidelines, 2015. Collection method: clinical testing. Allele origin: germline.
Comment: This variant is classified as likely benign based on ACMG/AMP sequence variant interpretation guidelines (Richards et al. 2015 PMID: 25741868, with internal and published modifications).

Blueprint Genetics
Classification: Likely benign. Last evaluated: 2024-11-04. Review status: criteria provided, single submitter. Criteria: ACMG Guidelines, 2015. Collection method: clinical testing. Allele origin: germline.

Laboratory for Molecular Medicine, Mass General Brigham Personalized Medicine
Classification: Benign. Last evaluated: 2017-06-26. Review status: criteria provided, single submitter. Criteria: LMM Criteria. Collection method: clinical testing. Allele origin: germline. Observed: 1 variant allele.
Comment: p.Phe213Phe in exon 7 of MYO7A: This variant is not expected to have clinical si gnificance because it does not alter an amino acid residue, is not located withi n the splice consensus sequence, and has been identified in 0.5% (99/18868) East Asian chromosomes by the Genome Aggregation Database (gnomAD; dbSNP rs540197003).

Natera, Inc.
Classification: Likely benign for Usher syndrome type 1B. Last evaluated: 2019-12-10. Review status: no assertion criteria provided. Collection method: clinical testing. Allele origin: germline. Not counted in ClinVar's aggregate classification.

Literature cited by the submitters: PubMed 19299023 (cited by Laboratory for Molecular Medicine, Mass General Brigham Personalized Medicine).